The following is an entry in ClinVar:

NM_001382.4(DPAGT1):c.1123C>T (p.His375Tyr)

Gene: DPAGT1 (dolichyl-phosphate N-acetylglucosaminephosphotransferase 1; minus strand). Cytogenetic location: 11q23.3.
Variant type: single nucleotide variant.
Coding change: c.1123C>T on transcript NM_001382.4 (MANE Select); coding-DNA position 1123, C replaced by T.
Protein change: p.His375Tyr; replaces histidine 375 with tyrosine.
Molecular consequence: missense variant.
Genome position (GRCh38, 1-based): chr11:119,097,180, G>A on the plus strand (C>T on the coding strand, the complement: DPAGT1 is on the minus strand). VCF-style: chr11-119097180-G-A. GRCh37 (hg19) VCF-style: chr11-118967890-G-A.
Other names: short protein forms H375Y.
Identifiers: ClinVar variation 429774 (VCV000429774.3), dbSNP rs759542218, ClinGen allele CA6314458.

ClinVar aggregate classification (germline): Likely pathogenic (1 of 4 stars; one submission).

Allele frequency attached by ClinVar (database versions not stated): gnomAD exomes below 0.00001; ExAC 0.00001; TOPMed 0.00002; gnomAD 0.00003.
gnomAD v4.1: 6 of 1,614,068 alleles (0.00037%); highest among the groups gnomAD compares: African/African-American, 0.004%; no homozygotes.

Submission:

GeneDx
Classification: Likely pathogenic. Last evaluated: 2024-05-14. Review status: criteria provided, single submitter. Criteria: GeneDx Variant Classification Process June 2021. Collection method: clinical testing. Allele origin: germline. Affected: yes.
Comment: Published functional studies demonstrate reduced DPAGT1 enzyme activity (PMID: 24759841); In silico analysis supports that this missense variant has a deleterious effect on protein structure/function; Not observed at significant frequency in large population cohorts (gnomAD); This variant is associated with the following publications: (PMID: 31589614, 24759841)